The following is an entry in ClinVar:

ClinVar aggregate classification (germline): Uncertain significance. Review status: criteria provided, multiple submitters, no conflicts (2 of 4 stars). 2 submissions from 2 submitters: Uncertain significance (2). Last evaluated 2025-09-17.

Conditions:
Familial adenomatous polyposis 1 (FAP1). Also called: FAMILIAL ADENOMATOUS POLYPOSIS 1, ATTENUATED; POLYPOSIS, ADENOMATOUS INTESTINAL. Identifiers: MedGen C2713442, MONDO:0021056, OMIM 175100. Disease mechanism: loss of function.
Hereditary cancer-predisposing syndrome. Also called: Neoplastic Syndromes, Hereditary; Tumor predisposition; Hereditary Cancer Syndrome; Hereditary neoplastic syndrome. Identifiers: Orphanet 140162, MedGen C0027672, MeSH D009386, MONDO:0015356.

Submissions (2):

Ambry Genetics
Classification: Uncertain significance for Hereditary cancer-predisposing syndrome. Last evaluated: 2025-09-17. Review status: criteria provided, single submitter. Criteria: Ambry Variant Classification Scheme 2023. Collection method: clinical testing. Allele origin: germline.
Comment: The p.I544N variant (also known as c.1631T>A), located in coding exon 13 of the APC gene, results from a T to A substitution at nucleotide position 1631. The isoleucine at codon 544 is replaced by asparagine, an amino acid with dissimilar properties. This amino acid position is highly conserved in available vertebrate species. In addition, in silico predictors for this gene do not accurately predict pathogenicity. Missense alterations in APC are not a common cause of disease (Spier I et al. Genet Med. 2024 Feb;26(2):100992). Based on the available evidence, the clinical significance of this variant remains unclear.

Labcorp Genetics (formerly Invitae), Labcorp
Classification: Uncertain significance for Familial adenomatous polyposis 1. Last evaluated: 2025-06-16. Review status: criteria provided, single submitter. Criteria: Invitae Variant Classification Sherloc (09022015). Collection method: clinical testing. Allele origin: germline.
Comment: This sequence change replaces isoleucine, which is neutral and non-polar, with asparagine, which is neutral and polar, at codon 544 of the APC protein (p.Ile544Asn). This variant is not present in population databases (gnomAD no frequency). This variant has not been reported in the literature in individuals affected with APC-related conditions. ClinVar contains an entry for this variant (Variation ID: 485140). Invitae Evidence Modeling of protein sequence and biophysical properties (such as structural, functional, and spatial information, amino acid conservation, physicochemical variation, residue mobility, and thermodynamic stability) indicates that this missense variant is not expected to disrupt APC protein function with a negative predictive value of 95%. In summary, the available evidence is currently insufficient to determine the role of this variant in disease. Therefore, it has been classified as a Variant of Uncertain Significance.

NM_000038.6(APC):c.1631T>A (p.Ile544Asn)

Gene: APC (APC regulator of Wnt signaling pathway; plus strand). Cytogenetic location: 5q22.2.
Variant type: single nucleotide variant.
Coding change: c.1631T>A on transcript NM_000038.6 (MANE Select); coding-DNA position 1631, T replaced by A.
Protein change: p.Ile544Asn; replaces isoleucine 544 with asparagine.
Molecular consequence: missense variant.
Genome position (GRCh38, 1-based): chr5:112,828,860, T>A. VCF-style: chr5-112828860-T-A. GRCh37 (hg19) VCF-style: chr5-112164557-T-A.
Other names: c.1631T>A, p.Ile544Asn (NM_001127510.3, NM_001354895.2); c.1577T>A, p.Ile526Asn (NM_001127511.3); c.1685T>A, p.Ile562Asn (NM_001354896.2); c.1661T>A, p.Ile554Asn (NM_001354897.2); c.1556T>A, p.Ile519Asn (NM_001354898.2); c.1547T>A, p.Ile516Asn (NM_001354899.2); c.1508T>A, p.Ile503Asn (NM_001354900.2); c.1454T>A, p.Ile485Asn (NM_001354901.2); and 5 more; short protein forms I526N, I544N, I261N, I485N, I503N, I562N, I418N, I443N.
Identifiers: ClinVar variation 485140 (VCV000485140.7), dbSNP rs144056494, ClinGen allele CA16024871.
Genomic context (GRCh38, chr5:112,828,860, plus strand): 5'-AAAAGCAACTAGTATGATTTTATGTATAAATTAATCTAAAATTGATTAATTTGCAGGTTA[T>A]TGCGAGTGTTTTGAGGAATTTGTCTTGGCGAGCAGATGTAAATAGTAAAAAGACGTTGCG-3'
Protein context (NP_000029.2, residues 534-554): KSESEDLQQV[Ile544Asn]ASVLRNLSWR